The following continues an entry in ClinVar:

NM_025114.4(CEP290):c.2991+1655A>G

Gene: CEP290. ClinVar aggregate classification (germline): Pathogenic. Pathogenic (1).

Submissions 7 to 30 of 31:

3billion
Classification: Pathogenic for CEP290-related disorder. Last evaluated: 2025-10-30. Review status: criteria provided, single submitter. Criteria: ACMG Guidelines, 2015. Collection method: clinical testing. Allele origin: germline. Affected: yes. Not counted in ClinVar's aggregate classification.
Comment: The variant is observed at an extremely low frequency in the gnomAD v4.1.0 dataset (total allele frequency: 0.027%). Predicted Consequence/Location: Intron variant In silico tools prediction of the variant to alter splicing and produce an abnormal transcript is uncertain [SpliceAI: 0.15 (spliceogenicity >=0.2, non-spliceogenicity <0.1)]. The variant has been reported to be in trans with a pathogenic variant as either compound heterozygous or homozygous in at least 4 similarly affected unrelated individuals (PMID: 16909394). The variant has been reported at least twice as pathogenic with clinical assertions and evidence for the classification (ClinVar ID: VCV000001337 /PMID: 16909394 /3billion dataset). Therefore, this variant is classified as Pathogenic according to the recommendation of ACMG/AMP guideline.

Blueprint Genetics
Classification: Pathogenic for CEP290-related disorders. Last evaluated: 2024-11-08. Review status: criteria provided, single submitter. Criteria: ACMG Guidelines, 2015. Collection method: clinical testing. Allele origin: germline. Affected: yes. Observed: 5 variant alleles. Not counted in ClinVar's aggregate classification.

Fulgent Genetics
Classification: Pathogenic for Joubert syndrome 5; Senior-Loken syndrome 6; Meckel syndrome, type 4; Leber congenital amaurosis 10; Bardet-Biedl syndrome 14. Last evaluated: 2024-04-25. Review status: criteria provided, single submitter. Criteria: ACMG Guidelines, 2015. Collection method: clinical testing. Allele origin: germline. Not counted in ClinVar's aggregate classification.

Baylor Genetics
Classification: Pathogenic for Bardet-Biedl syndrome 14. Last evaluated: 2024-03-27. Review status: criteria provided, single submitter. Criteria: ACMG Guidelines, 2015. Collection method: clinical testing. Allele origin: unknown. Not counted in ClinVar's aggregate classification.

Revvity Omics, Revvity
Classification: Pathogenic. Last evaluated: 2023-12-22. Review status: criteria provided, single submitter. Criteria: ACMG Guidelines, 2015. Collection method: clinical testing. Allele origin: germline. Not counted in ClinVar's aggregate classification.

GeneDx
Classification: Pathogenic. Last evaluated: 2023-11-02. Review status: criteria provided, single submitter. Criteria: GeneDx Variant Classification Process June 2021. Collection method: clinical testing. Allele origin: germline. Affected: yes. Not counted in ClinVar's aggregate classification.
Comment: Reported as the most common pathogenic variant among individuals of North American and North Western European background (PMID: 16909394, 34196655); Published functional studies demonstrate a damaging effect resulting in the insertion of an aberrant exon into approximately half of CEP290 transcripts and reduced CEP290 mRNA levels in comparison to wild type (PMID: 25761237, 23344081); This variant is associated with the following publications: (PMID: 22842229, 20683928, 20805370, 27106101, 31429209, 23591405, 19823873, 24767827, 17564967, 17345604, 20130272, 23344081, 23343883, 18682808, 20690115, 22355252, 28224992, 24223178, 29186038, 29178642, 30576320, 31087526, 30559420, 31734136, 34327195, 32531858, 32865313, 29398085, 29518907, 33726816, 32037395, 31816670, 28619647, 28510626, 16909394, 25761237, 34196655, 30193310)

Genomic Medicine Lab, University of California San Francisco
Classification: Pathogenic for Joubert syndrome 5. Last evaluated: 2023-10-16. Review status: criteria provided, single submitter. Criteria: ACMG Guidelines, 2015. Collection method: clinical testing. Allele origin: biparental. Affected: yes. Not counted in ClinVar's aggregate classification.

Institute of Human Genetics, Univ. Regensburg, Univ. Regensburg
Classification: Pathogenic for Retinal dystrophy. Last evaluated: 2022-01-01. Review status: criteria provided, single submitter. Criteria: ACMG Guidelines, 2015. Collection method: clinical testing. Allele origin: germline. Affected: yes. Not counted in ClinVar's aggregate classification.

AURAGEN, Plan France Médecine Génomique
Classification: Pathogenic for Retinal disorder. Last evaluated: 2021-12-03. Review status: criteria provided, single submitter. Criteria: PFMG2025 (Lancet Reg Health Eur. 2025). Collection method: clinical testing. Allele origin: germline. Affected: yes. Not counted in ClinVar's aggregate classification.

Women's Health and Genetics/Laboratory Corporation of America, LabCorp
Classification: Pathogenic for CEP290-related disorder. Last evaluated: 2021-09-16. Review status: criteria provided, single submitter. Criteria: LabCorp Variant Classification Summary - May 2015. Collection method: clinical testing. Allele origin: germline. Not counted in ClinVar's aggregate classification.
Comment: Variant summary: CEP290 c.2991+1655A>G is located at a position not widely known to affect splicing. However, several computational tools predict a significant impact on normal splicing: Four predict the variant strengthens a cryptic intronic 5' donor site. At least one publication reports experimental evidence that this variant affects mRNA splicing and leads to insertion of a cryptic exon encoding a premature stop codon (den Hollander_2006). The variant allele was found at a frequency of 0.00013 in 31310 control chromosomes. c.2991+1655A>G has been reported in the literature in multiple individuals affected with CEP290-Related Disorders, namely Leber Congenital Amaurosis (example, den Hollander_2006). These data indicate that the variant is very likely to be associated with disease. Functional studies have reported ciliary and axonemal defects in patients with this variant (Gerard_2012). Multiple clinical diagnostic laboratories have submitted clinical-significance assessments for this variant to ClinVar after 2014 without evidence for independent evaluation. All laboratories classified the variant as pathogenic/likely pathogenic. Based on the evidence outlined above, the variant was classified as pathogenic.

Ocular Genomics Institute, Massachusetts Eye and Ear
Classification: Pathogenic for Leber congenital amaurosis 10. Last evaluated: 2021-04-08. Review status: criteria provided, single submitter. Criteria: ACMG Guidelines, 2015. Collection method: research. Allele origin: germline. Affected: yes. Not counted in ClinVar's aggregate classification.
Comment: Through a review of available evidence we were able to apply the following criteria: PS4, PS3, PM2, PM3, PP1, PP5. Based on this evidence we have classified this variant as Pathogenic.

Institute of Medical Molecular Genetics, University of Zurich
Classification: Likely pathogenic for Leber congenital amaurosis 10. Last evaluated: 2021-01-30. Review status: criteria provided, single submitter. Criteria: ACMG Guidelines, 2015. Collection method: clinical testing. Allele origin: germline. Affected: yes. Not counted in ClinVar's aggregate classification.

Institute of Medical Genetics and Applied Genomics, University Hospital Tübingen
Classification: Pathogenic. Last evaluated: 2020-10-23. Review status: criteria provided, single submitter. Criteria: ACMG Guidelines, 2015. Collection method: clinical testing. Allele origin: germline. Inheritance: Autosomal recessive inheritance. Affected: yes. Not counted in ClinVar's aggregate classification.

Institute of Human Genetics, University of Leipzig Medical Center
Classification: Pathogenic for Intellectual disability. Last evaluated: 2020-08-03. Review status: criteria provided, single submitter. Criteria: ACMG Guidelines, 2015. Collection method: clinical testing. Allele origin: unknown. Affected: yes. Not counted in ClinVar's aggregate classification.
Comment: The variant likely explains the NDD in this individual.

Mendelics
Classification: Pathogenic for Joubert syndrome 1. Last evaluated: 2019-05-28. Review status: criteria provided, single submitter. Criteria: Mendelics Assertion Criteria 2017. Collection method: clinical testing. Allele origin: unknown. Not counted in ClinVar's aggregate classification.

Eurofins Ntd Llc (ga)
Classification: Pathogenic. Last evaluated: 2017-07-11. Review status: criteria provided, single submitter. Criteria: EGL Classification Definitions 2015. Collection method: clinical testing. Allele origin: germline. Observed: 6 variant alleles, 4 heterozygotes, 2 homozygotes. Not counted in ClinVar's aggregate classification.

Centre for Mendelian Genomics, University Medical Centre Ljubljana
Classification: Pathogenic for Joubert syndrome 5. Last evaluated: 2016-01-01. Review status: criteria provided, single submitter. Criteria: ACMG Guidelines, 2015. Collection method: clinical testing. Allele origin: unknown. Affected: yes. Not counted in ClinVar's aggregate classification.
Comment: This variant was classified as: Pathogenic. The following ACMG criteria were applied in classifying this variant: PS3,PM2,PM3,PP3,PP4.

Joint Genome Diagnostic Labs from Nijmegen and Maastricht, Radboudumc and MUMC+
Classification: Pathogenic for Retinitis pigmentosa. Last evaluated: 2016-09-01. Review status: no assertion criteria provided. Collection method: clinical testing. Allele origin: unknown. Affected: yes. Observed: 2 variant alleles. Not counted in ClinVar's aggregate classification.

GeneReviews
Classification: Pathogenic for Joubert Syndrome and Related Disorders. Last evaluated: 2012-03-29. Review status: no assertion criteria provided. Collection method: curation. Allele origin: unknown. Not counted in ClinVar's aggregate classification.
ClinVar note: Converted during submission from pathologic to Pathogenic.

OMIM
Classification: Pathogenic for LEBER CONGENITAL AMAUROSIS 10. Last evaluated: 2007-07-01. Review status: no assertion criteria provided. Collection method: literature only. Allele origin: germline. Not counted in ClinVar's aggregate classification.

Clinical Genetics, Academic Medical Center
Classification: Pathogenic. Review status: no assertion criteria provided. Collection method: clinical testing. Allele origin: germline. Affected: yes. Study: VKGL Data-share Consensus. Not counted in ClinVar's aggregate classification.

Genome Diagnostics Laboratory, University Medical Center Utrecht
Classification: Pathogenic. Review status: no assertion criteria provided. Collection method: clinical testing. Allele origin: germline. Affected: yes. Study: VKGL Data-share Consensus. Not counted in ClinVar's aggregate classification.

Joint Genome Diagnostic Labs from Nijmegen and Maastricht, Radboudumc and MUMC+
Classification: Pathogenic. Review status: no assertion criteria provided. Collection method: clinical testing. Allele origin: germline. Affected: yes. Study: VKGL Data-share Consensus. Not counted in ClinVar's aggregate classification.

Retina International
No classification provided. Review status: no classification provided. Collection method: not provided. Allele origin: not provided. Not counted in ClinVar's aggregate classification.